The following is an entry in ClinVar:

NM_006218.4(PIK3CA):c.373G>A (p.Val125Met)

Gene: PIK3CA (phosphatidylinositol-4,5-bisphosphate 3-kinase catalytic subunit alpha; plus strand). Cytogenetic location: 3q26.32.
Variant type: single nucleotide variant.
Coding change: c.373G>A on transcript NM_006218.4 (MANE Select); coding-DNA position 373, G replaced by A.
Protein change: p.Val125Met; replaces valine 125 with methionine.
Molecular consequence: missense variant.
Genome position (GRCh38, 1-based): chr3:179,199,710, G>A. VCF-style: chr3-179199710-G-A. GRCh37 (hg19) VCF-style: chr3-178917498-G-A.
Other names: short protein forms V125M.
Identifiers: ClinVar variation 1064232 (VCV001064232.7), dbSNP rs1724360010, ClinGen allele CA355272978.

ClinVar aggregate classification (germline): Uncertain significance (1 of 4 stars; one submission).

Conditions:
Cowden syndrome (CS). Also called: Cowden's disease; Cowden's syndrome; Cowden disease. Identifiers: Orphanet 201, MedGen C0018553, MONDO:0016063. Disease mechanism: gain of function.

Allele frequency attached by ClinVar (database versions not stated): TOPMed below 0.00001.

Submission:

Labcorp Genetics (formerly Invitae), Labcorp
Classification: Uncertain significance for Cowden syndrome. Last evaluated: 2024-04-15. Review status: criteria provided, single submitter. Criteria: Invitae Variant Classification Sherloc (09022015). Collection method: clinical testing. Allele origin: germline.
Comment: This sequence change replaces valine, which is neutral and non-polar, with methionine, which is neutral and non-polar, at codon 125 of the PIK3CA protein (p.Val125Met). This variant is not present in population databases (gnomAD no frequency). This variant has not been reported in the literature in individuals affected with PIK3CA-related conditions. ClinVar contains an entry for this variant (Variation ID: 1064232). Advanced modeling of protein sequence and biophysical properties (such as structural, functional, and spatial information, amino acid conservation, physicochemical variation, residue mobility, and thermodynamic stability) has been performed at Invitae for this missense variant, however the output from this modeling did not meet the statistical confidence thresholds required to predict the impact of this variant on PIK3CA protein function. In summary, the available evidence is currently insufficient to determine the role of this variant in disease. Therefore, it has been classified as a Variant of Uncertain Significance.